The following is an entry in ClinVar:

NM_001128425.2(MUTYH):c.8C>T (p.Pro3Leu)

Genes: TOE1 (target of EGR1, exonuclease; plus strand), MUTYH (mutY DNA glycosylase; minus strand). Cytogenetic location: 1p34.1.
Variant type: single nucleotide variant.
Coding change: c.8C>T on transcript NM_001128425.2 (MANE Plus Clinical); coding-DNA position 8, C replaced by T.
Protein change: p.Pro3Leu; replaces proline 3 with leucine.
Molecular consequence: missense variant. On other transcripts: 5 prime UTR variant (8), non-coding transcript variant (3).
Genome position (GRCh38, 1-based): chr1:45,340,247, G>A on the plus strand (C>T on the coding strand, the complement: MUTYH is on the minus strand). VCF-style: chr1-45340247-G-A. GRCh37 (hg19) VCF-style: chr1-45805919-G-A.
Other names: c.-51C>T (NM_001407071.1, NM_001407070.1); c.-31C>T (NM_001407072.1); c.8C>T, p.Pro3Leu (NM_001407073.1, NM_012222.3, NM_001407069.1 and 1 more transcripts); c.-306C>T (NM_001350650.2); c.-242C>T (NM_001350651.2); c.-6G>A (NM_025077.4); c.-35C>T (NM_001048171.2); c.-247C>T (NM_001293192.2); short protein forms P3L.
Identifiers: ClinVar variation 233944 (VCV000233944.20), dbSNP rs745424307, ClinGen allele CA10577756.

ClinVar aggregate classification (germline): Uncertain significance. Review status: criteria provided, multiple submitters, no conflicts (2 of 4 stars). 3 submissions from 3 submitters: Uncertain significance (3). Last evaluated 2023-05-19.

Conditions:
Hereditary cancer-predisposing syndrome. Also called: Neoplastic Syndromes, Hereditary; Hereditary neoplastic syndrome; Tumor predisposition; Hereditary Cancer Syndrome. Identifiers: Orphanet 140162, MedGen C0027672, MeSH D009386, MONDO:0015356.
Familial adenomatous polyposis 2. Also called: COLORECTAL ADENOMATOUS POLYPOSIS, AUTOSOMAL RECESSIVE; MYH-associated polyposis; FAP type 2; MUTYH-related attenuated familial adenomatous polyposis; MUTYH-associated polyposis; MUTYH Polyposis. Identifiers: Orphanet 220460, Orphanet 247798, MedGen C3272841, MONDO:0012041, OMIM 608456.

gnomAD v4.1: 1 of 1,613,838 alleles (0.000062%); highest among the groups gnomAD compares: Admixed American, 0.0017%; no homozygotes.

Submissions (3):

Labcorp Genetics (formerly Invitae), Labcorp
Classification: Uncertain significance for Familial adenomatous polyposis 2. Last evaluated: 2023-05-19. Review status: criteria provided, single submitter. Criteria: Invitae Variant Classification Sherloc (09022015). Collection method: clinical testing. Allele origin: germline.
Comment: This variant is present in population databases (no rsID available, gnomAD 0.003%). This sequence change replaces proline, which is neutral and non-polar, with leucine, which is neutral and non-polar, at codon 3 of the MUTYH protein (p.Pro3Leu). This variant has not been reported in the literature in individuals affected with MUTYH-related conditions. In summary, the available evidence is currently insufficient to determine the role of this variant in disease. Therefore, it has been classified as a Variant of Uncertain Significance. Algorithms developed to predict the effect of missense changes on protein structure and function output the following: SIFT: "Not Available"; PolyPhen-2: "Benign"; Align-GVGD: "Not Available". The leucine amino acid residue is found in multiple mammalian species, which suggests that this missense change does not adversely affect protein function. ClinVar contains an entry for this variant (Variation ID: 233944).

Ambry Genetics
Classification: Uncertain significance for Hereditary cancer-predisposing syndrome. Last evaluated: 2023-03-16. Review status: criteria provided, single submitter. Criteria: Ambry Variant Classification Scheme 2023. Collection method: clinical testing. Allele origin: germline.
Comment: The p.P3L variant (also known as c.8C>T), located in coding exon 1 of the MUTYH gene, results from a C to T substitution at nucleotide position 8. The proline at codon 3 is replaced by leucine, an amino acid with similar properties. This amino acid position is not well conserved in available vertebrate species. In addition, this alteration is predicted to be tolerated by in silico analysis. Since supporting evidence is limited at this time, the clinical significance of this alteration remains unclear.

Color Diagnostics, LLC DBA Color Health
Classification: Uncertain significance for Hereditary cancer-predisposing syndrome. Last evaluated: 2019-06-30. Review status: criteria provided, single submitter. Criteria: ACMG Guidelines, 2015. Collection method: clinical testing. Allele origin: germline.